The following is an entry in ClinVar:

NM_002296.4(LBR):c.367-5T>C

Gene: LBR (lamin B receptor; minus strand). Cytogenetic location: 1q42.12.
Variant type: single nucleotide variant.
Coding change: c.367-5T>C on transcript NM_002296.4 (MANE Select); 5 bases into the intron before coding-DNA position 367, T replaced by C.
Molecular consequence: intron variant.
Genome position (GRCh38, 1-based): chr1:225,419,803, A>G on the plus strand (T>C on the coding strand, the complement: LBR is on the minus strand). VCF-style: chr1-225419803-A-G. GRCh37 (hg19) VCF-style: chr1-225607505-A-G.
Other names: c.367-5T>C (NM_194442.3).
Identifiers: ClinVar variation 218604 (VCV000218604.11), dbSNP rs201626710, ClinGen allele CA249359.
Genomic context (GRCh38, chr1:225,419,803, plus strand): 5'-CTCTCAATATGCTCAGGCTCCCCATTATATCTGCTGATGCTATTTCCAAATGGCTTCTAA[A>G]TTGAAGAATATAAACATTTAATCAAAAGAACTGTAACTTATTAAAAAGAAACATGATGGT-3'

ClinVar aggregate classification (germline): Conflicting classifications of pathogenicity. Review status: criteria provided, conflicting classifications (1 of 4 stars). 3 submissions from 3 submitters: Uncertain significance (2); Benign (1). Last evaluated 2025-09-15.

Conditions:
Inborn genetic diseases. Identifiers: MedGen C0950123, MeSH D030342.

Allele frequency attached by ClinVar (database versions not stated): gnomAD exomes 0.00004 and 0.00011; ExAC 0.00014; 1000 Genomes Project 30x 0.00016; 1000 Genomes Project 0.00020; gnomAD 0.00037 and 0.00039; TOPMed 0.00049; ESP Exome Variant Server 0.00077.
gnomAD v4.1: 120 of 1,568,142 alleles (0.0077%); highest among the groups gnomAD compares: African/African-American, 0.12%; no homozygotes.

Submissions (3):

Labcorp Genetics (formerly Invitae), Labcorp
Classification: Benign. Last evaluated: 2025-09-15. Review status: criteria provided, single submitter. Criteria: Invitae Variant Classification Sherloc (09022015). Collection method: clinical testing. Allele origin: germline.

Ambry Genetics
Classification: Uncertain significance for Inborn genetic diseases. Last evaluated: 2020-10-22. Review status: criteria provided, single submitter. Criteria: Ambry Variant Classification Scheme 2023. Collection method: clinical testing. Allele origin: germline.
Comment: The c.367-5T>C intronic alteration consists of a T to C substitution 5 nucleotides before exon 4 (coding exon 3) of the LBR gene. Based on data from the Genome Aggregation Database (gnomAD) database, the LBR c.367-5T>C alteration was observed in 0.01% (35/281636) of total alleles studied, with a frequency of 0.09% (22/24920) in the African subpopulation. This nucleotide position is not well conserved in available vertebrate species. In silico splice site analysis predicts that this alteration will not have any significant effect on splicing. Based on insufficient or conflicting evidence, the clinical significance of this alteration remains unclear.

Genomic Diagnostic Laboratory, Division of Genomic Diagnostics, Children's Hospital of Philadelphia
Classification: Uncertain significance. Last evaluated: 2015-06-08. Review status: criteria provided, single submitter. Criteria: DGD Variant Analysis Guidelines. Collection method: clinical testing. Allele origin: unknown.